The following is an entry in ClinVar:

NM_001375905.1(SGMS2):c.721A>G (p.Lys241Glu)

Genes: CYP2U1-AS1 (CYP2U1 and SGMS2 antisense RNA 1; minus strand), SGMS2 (sphingomyelin synthase 2; plus strand). Cytogenetic location: 4q25.
Variant type: single nucleotide variant.
Coding change: c.721A>G on transcript NM_001375905.1 (MANE Select); coding-DNA position 721, A replaced by G.
Protein change: p.Lys241Glu; replaces lysine 241 with glutamic acid.
Molecular consequence: missense variant.
Genome position (GRCh38, 1-based): chr4:107,903,380, A>G. VCF-style: chr4-107903380-A-G. GRCh37 (hg19) VCF-style: chr4-108824536-A-G.
Other names: c.721A>G, p.Lys241Glu (NM_001136257.2, NM_001136258.2, NM_001375906.1 and 4 more transcripts); c.202A>G, p.Lys68Glu (NM_001375911.1); c.721A>G (NM_152621.5); short protein forms K241E, K68E.
Identifiers: ClinVar variation 2066140 (VCV002066140.5), dbSNP rs979816587, ClinGen allele CA102844903.

ClinVar aggregate classification (germline): Uncertain significance. Review status: criteria provided, multiple submitters, no conflicts (2 of 4 stars). 2 submissions from 2 submitters: Uncertain significance (2). Last evaluated 2025-10-23.

Conditions:
Inborn genetic diseases. Identifiers: MedGen C0950123, MeSH D030342.

Allele frequency attached by ClinVar (database versions not stated): gnomAD exomes below 0.00001; TOPMed 0.00002; gnomAD 0.00003.
gnomAD v4.1: 10 of 1,613,704 alleles (0.00062%); highest among the groups gnomAD compares: Non-Finnish European, 0.00085%; no homozygotes.

Submissions (2):

Ambry Genetics
Classification: Uncertain significance for Inborn genetic diseases. Last evaluated: 2025-10-23. Review status: criteria provided, single submitter. Criteria: Ambry Variant Classification Scheme 2023. Collection method: clinical testing. Allele origin: germline.

Labcorp Genetics (formerly Invitae), Labcorp
Classification: Uncertain significance. Last evaluated: 2023-07-25. Review status: criteria provided, single submitter. Criteria: Invitae Variant Classification Sherloc (09022015). Collection method: clinical testing. Allele origin: germline.
Comment: This variant is present in population databases (no rsID available, gnomAD 0.002%). This variant has not been reported in the literature in individuals affected with SGMS2-related conditions. ClinVar contains an entry for this variant (Variation ID: 2066140). Advanced modeling of protein sequence and biophysical properties (such as structural, functional, and spatial information, amino acid conservation, physicochemical variation, residue mobility, and thermodynamic stability) performed at Invitae indicates that this missense variant is expected to disrupt SGMS2 protein function. In summary, the available evidence is currently insufficient to determine the role of this variant in disease. Therefore, it has been classified as a Variant of Uncertain Significance. This sequence change replaces lysine, which is basic and polar, with glutamic acid, which is acidic and polar, at codon 241 of the SGMS2 protein (p.Lys241Glu).